The following is an entry in ClinVar:

ClinVar aggregate classification (germline): Uncertain significance (1 of 4 stars; one submission).

Conditions:
Cornelia de Lange syndrome 1 (CDLS1). Also called: NIPBL-Related Cornelia de Lange Syndrome; Brachmann de Lange syndrome; TYPUS DEGENERATIVUS AMSTELODAMENSIS. Identifiers: Orphanet 199, MedGen C4551851, MONDO:0007387, OMIM 122470.

Allele frequency attached by ClinVar (database versions not stated): gnomAD 0.00001.
gnomAD v4.1: 6 of 1,613,680 alleles (0.00037%); highest among the groups gnomAD compares: South Asian, 0.0011%; no homozygotes.

Submission:

Labcorp Genetics (formerly Invitae), Labcorp
Classification: Uncertain significance for Cornelia de Lange syndrome 1. Last evaluated: 2022-08-02. Review status: criteria provided, single submitter. Criteria: Invitae Variant Classification Sherloc (09022015). Collection method: clinical testing. Allele origin: germline.
Comment: This variant has not been reported in the literature in individuals affected with NIPBL-related conditions. In summary, the available evidence is currently insufficient to determine the role of this variant in disease. Therefore, it has been classified as a Variant of Uncertain Significance. Advanced modeling of protein sequence and biophysical properties (such as structural, functional, and spatial information, amino acid conservation, physicochemical variation, residue mobility, and thermodynamic stability) performed at Invitae indicates that this missense variant is expected to disrupt NIPBL protein function. This variant is present in population databases (no rsID available, gnomAD 0.007%). This sequence change replaces arginine, which is basic and polar, with glutamine, which is neutral and polar, at codon 45 of the NIPBL protein (p.Arg45Gln).

NM_133433.4(NIPBL):c.134G>A (p.Arg45Gln)

Gene: NIPBL (NIPBL cohesin loading factor; plus strand). Cytogenetic location: 5p13.2.
Variant type: single nucleotide variant.
Coding change: c.134G>A on transcript NM_133433.4 (MANE Select); coding-DNA position 134, G replaced by A.
Protein change: p.Arg45Gln; replaces arginine 45 with glutamine.
Molecular consequence: missense variant.
Genome position (GRCh38, 1-based): chr5:36,955,541, G>A. VCF-style: chr5-36955541-G-A. GRCh37 (hg19) VCF-style: chr5-36955643-G-A.
Other names: c.134G>A, p.Arg45Gln (NM_015384.5); short protein forms R45Q.
Identifiers: ClinVar variation 1918803 (VCV001918803.5), dbSNP rs1290230112, ClinGen allele CA359474063.